The following is an entry in ClinVar:

NM_006904.7(PRKDC):c.4726G>A (p.Asp1576Asn)

Gene: PRKDC (protein kinase, DNA-activated, catalytic subunit; minus strand). Cytogenetic location: 8q11.21.
Variant type: single nucleotide variant.
Coding change: c.4726G>A on transcript NM_006904.7 (MANE Select); coding-DNA position 4726, G replaced by A.
Protein change: p.Asp1576Asn; replaces aspartic acid 1576 with asparagine.
Molecular consequence: missense variant.
Genome position (GRCh38, 1-based): chr8:47,885,994, C>T on the plus strand (G>A on the coding strand, the complement: PRKDC is on the minus strand). VCF-style: chr8-47885994-C-T. GRCh37 (hg19) VCF-style: chr8-48798555-C-T.
Other names: c.4726G>A, p.Asp1576Asn (NM_001081640.2); short protein forms D1576N.
Identifiers: ClinVar variation 1431855 (VCV001431855.6), dbSNP rs761621190, ClinGen allele CA371142818.
Genomic context (GRCh38, chr8:47,885,994, plus strand): 5'-ACTTTGTTACCATTTTGGTATTATCCACTGAAGACTGCATGAGCTCCAATACAGCAAGAT[C>T]CAGATTTTTCAATAATTCCGTGTTGATCGTTTCTGAGAACAAGCTATAGAAATACTCCCC-3'
Protein context (NP_008835.5, residues 1566-1586): TINTELLKNL[Asp1576Asn]LAVLELMQSS

ClinVar aggregate classification (germline): Uncertain significance (1 of 4 stars; one submission).

Conditions:
Severe combined immunodeficiency due to DNA-PKcs deficiency. Also called: Immunodeficiency 26 with or without neurologic abnormalities; IMMUNODEFICIENCY 26 WITH NEUROLOGIC ABNORMALITIES. Identifiers: Orphanet 317425, MedGen C4014833, MONDO:0014423, OMIM 615966.

gnomAD v4.1: 5 of 1,613,940 alleles (0.00031%); highest among the groups gnomAD compares: Non-Finnish European, 0.00042%; no homozygotes.

Submission:

Labcorp Genetics (formerly Invitae), Labcorp
Classification: Uncertain significance for Severe combined immunodeficiency due to DNA-PKcs deficiency. Last evaluated: 2023-10-13. Review status: criteria provided, single submitter. Criteria: Invitae Variant Classification Sherloc (09022015). Collection method: clinical testing. Allele origin: germline.
Comment: This sequence change replaces aspartic acid, which is acidic and polar, with asparagine, which is neutral and polar, at codon 1576 of the PRKDC protein (p.Asp1576Asn). This variant is not present in population databases (gnomAD no frequency). This variant has not been reported in the literature in individuals affected with PRKDC-related conditions. ClinVar contains an entry for this variant (Variation ID: 1431855). Advanced modeling of protein sequence and biophysical properties (such as structural, functional, and spatial information, amino acid conservation, physicochemical variation, residue mobility, and thermodynamic stability) has been performed at Invitae for this missense variant, however the output from this modeling did not meet the statistical confidence thresholds required to predict the impact of this variant on PRKDC protein function. In summary, the available evidence is currently insufficient to determine the role of this variant in disease. Therefore, it has been classified as a Variant of Uncertain Significance.